The following is an entry in ClinVar:

NM_006231.4(POLE):c.3247A>C (p.Lys1083Gln)

Gene: POLE (DNA polymerase epsilon, catalytic subunit; minus strand). Cytogenetic location: 12q24.33.
Variant type: single nucleotide variant.
Coding change: c.3247A>C on transcript NM_006231.4 (MANE Select); coding-DNA position 3247, A replaced by C.
Protein change: p.Lys1083Gln; replaces lysine 1083 with glutamine.
Molecular consequence: missense variant.
Genome position (GRCh38, 1-based): chr12:132,659,323, T>G on the plus strand (A>C on the coding strand, the complement: POLE is on the minus strand). VCF-style: chr12-132659323-T-G. GRCh37 (hg19) VCF-style: chr12-133235909-T-G.
Other names: c.3247A>C (NM_006231.2); short protein forms K1083Q.
Identifiers: ClinVar variation 473578 (VCV000473578.12), dbSNP rs1260941612, ClinGen allele CA387390352.

ClinVar aggregate classification (germline): Conflicting classifications of pathogenicity. Review status: criteria provided, conflicting classifications (1 of 4 stars). 3 submissions from 3 submitters: Uncertain significance (2); Likely benign (1). Last evaluated 2026-01-05.

Conditions:
Hereditary cancer-predisposing syndrome. Also called: Neoplastic Syndromes, Hereditary; Tumor predisposition; Hereditary Cancer Syndrome; Hereditary neoplastic syndrome. Identifiers: Orphanet 140162, MedGen C0027672, MeSH D009386, MONDO:0015356.

Allele frequency attached by ClinVar (database versions not stated): gnomAD exomes below 0.00001 and 0.00001; TOPMed below 0.00001; gnomAD 0.00001.
gnomAD v4.1: 9 of 1,611,950 alleles (0.00056%); highest among the groups gnomAD compares: Non-Finnish European, 0.00076%; no homozygotes.

Submissions (3):

Labcorp Genetics (formerly Invitae), Labcorp
Classification: Uncertain significance. Last evaluated: 2026-01-05. Review status: criteria provided, single submitter. Criteria: Invitae Variant Classification Sherloc (09022015). Collection method: clinical testing. Allele origin: germline.
Comment: This sequence change replaces lysine, which is basic and polar, with glutamine, which is neutral and polar, at codon 1083 of the POLE protein (p.Lys1083Gln). This variant is present in population databases (no rsID available, gnomAD 0.0009%). This variant has not been reported in the literature in individuals affected with POLE-related conditions. ClinVar contains an entry for this variant (Variation ID: 473578). Invitae Evidence Modeling of protein sequence and biophysical properties (such as structural, functional, and spatial information, amino acid conservation, physicochemical variation, residue mobility, and thermodynamic stability) indicates that this missense variant is not expected to disrupt POLE protein function with a negative predictive value of 80%. In summary, the available evidence is currently insufficient to determine the role of this variant in disease. Therefore, it has been classified as a Variant of Uncertain Significance.

Ambry Genetics
Classification: Likely benign for Hereditary cancer-predisposing syndrome. Last evaluated: 2025-02-04. Review status: criteria provided, single submitter. Criteria: Ambry Variant Classification Scheme 2023. Collection method: clinical testing. Allele origin: germline.

GeneDx
Classification: Uncertain significance. Last evaluated: 2024-04-01. Review status: criteria provided, single submitter. Criteria: GeneDx Variant Classification Process June 2021. Collection method: clinical testing. Allele origin: germline. Affected: yes.
Comment: Not observed at significant frequency in large population cohorts (gnomAD); In silico analysis supports that this missense variant has a deleterious effect on protein structure/function; Has not been previously published as pathogenic or benign to our knowledge